The following is an entry in ClinVar:

ClinVar aggregate classification (germline): Conflicting classifications of pathogenicity. Review status: criteria provided, conflicting classifications (1 of 4 stars). 5 submissions from 4 submitters: Uncertain significance (1); Benign (1); Likely benign (3). Last evaluated 2025-11-25.

Conditions:
Cardiovascular phenotype. Identifiers: MedGen CN230736.
Hypoalphalipoproteinemia, primary, 1. Identifiers: Orphanet 425, MedGen C5231558, MONDO:0011393, OMIM 604091.
Tangier disease (TGD). Also called: HIGH DENSITY LIPOPROTEIN DEFICIENCY, TANGIER TYPE; HIGH DENSITY LIPOPROTEIN DEFICIENCY, TYPE 1; Cholesterol thesaurismosis. Identifiers: Orphanet 31150, MedGen C0039292, MONDO:0008783, OMIM 205400.

Allele frequency attached by ClinVar (database versions not stated): ESP Exome Variant Server 0.00008; TOPMed 0.00008; gnomAD exomes 0.00012; ExAC 0.00013; 1000 Genomes Project 30x 0.00016; 1000 Genomes Project 0.00020.
gnomAD v4.1: 56 of 1,614,148 alleles (0.0035%); highest among the groups gnomAD compares: East Asian, 0.049%; no homozygotes.

Submissions (5):

Labcorp Genetics (formerly Invitae), Labcorp
Classification: Likely benign. Last evaluated: 2025-11-25. Review status: criteria provided, single submitter. Criteria: Invitae Variant Classification Sherloc (09022015). Collection method: clinical testing. Allele origin: germline.

Blueprint Genetics
Classification: Likely benign. Last evaluated: 2022-09-27. Review status: criteria provided, single submitter. Criteria: ACMG Guidelines, 2015. Collection method: clinical testing. Allele origin: germline.

Ambry Genetics
Classification: Likely benign for Cardiovascular phenotype. Last evaluated: 2019-07-12. Review status: criteria provided, single submitter. Criteria: Ambry Variant Classification Scheme 2023. Collection method: clinical testing. Allele origin: germline.

Illumina Laboratory Services, Illumina
Classification: Uncertain significance for Tangier disease. Last evaluated: 2018-01-12. Review status: criteria provided, single submitter. Criteria: ICSL Variant Classification Criteria 13 December 2019. Collection method: clinical testing. Allele origin: germline.

Illumina Laboratory Services, Illumina
Classification: Benign for Hypoalphalipoproteinemia, primary, 1. Last evaluated: 2018-01-12. Review status: criteria provided, single submitter. Criteria: ICSL Variant Classification Criteria 13 December 2019. Collection method: clinical testing. Allele origin: germline.
Comment: This variant was observed in the ICSL laboratory as part of a predisposition screen in an ostensibly healthy population. It had not been previously curated by ICSL or reported in the Human Gene Mutation Database (HGMD: prior to June 1st, 2018), and was therefore a candidate for classification through an automated scoring system. Utilizing variant allele frequency, disease prevalence and penetrance estimates, and inheritance mode, an automated score was calculated to assess if this variant is too frequent to cause the disease. Based on the score and internal cut-off values, a variant classified as benign is not then subjected to further curation. The score for this variant resulted in a classification of benign for this disease.

NM_005502.4(ABCA1):c.5019C>T (p.Val1673=)

Gene: ABCA1 (ATP binding cassette subfamily A member 1; minus strand). Cytogenetic location: 9q31.1.
Variant type: single nucleotide variant.
Coding change: c.5019C>T on transcript NM_005502.4 (MANE Select); coding-DNA position 5019, C replaced by T.
Protein change: p.Val1673=; no amino-acid change (valine 1673 retained).
Molecular consequence: synonymous variant.
Genome position (GRCh38, 1-based): chr9:104,798,523, G>A on the plus strand (C>T on the coding strand, the complement: ABCA1 is on the minus strand). VCF-style: chr9-104798523-G-A. GRCh37 (hg19) VCF-style: chr9-107560804-G-A.
Identifiers: ClinVar variation 364397 (VCV000364397.15), dbSNP rs371136175, ClinGen allele CA5167958.
Genomic context (GRCh38, chr9:104,798,523, plus strand): 5'-CACTCCACTGATGAACTGCAGGTGTTTTGCTTTGCTGACCCGCTCCTGGATCAGGAATAC[G>A]ACAAAGCTGGCTGGGACGAAGGACATTGCAAAGATGACACAGATGGACACAAGGACATCC-3'
Protein context (NP_005493.2, residues 1663-1683): FAMSFVPASF[Val1673=]VFLIQERVSK